The following is an entry in ClinVar:

NM_002474.3(MYH11):c.3427G>T (p.Asp1143Tyr)

Gene: MYH11 (myosin heavy chain 11; minus strand). Cytogenetic location: 16p13.11.
Variant type: single nucleotide variant.
Coding change: c.3427G>T on transcript NM_002474.3 (MANE Select); coding-DNA position 3427, G replaced by T.
Protein change: p.Asp1143Tyr; replaces aspartic acid 1143 with tyrosine.
Molecular consequence: missense variant.
Genome position (GRCh38, 1-based): chr16:15,735,445, C>A on the plus strand (G>T on the coding strand, the complement: MYH11 is on the minus strand). VCF-style: chr16-15735445-C-A. GRCh37 (hg19) VCF-style: chr16-15829302-C-A.
Other names: c.3448G>T, p.Asp1150Tyr (NM_001040113.2, NM_001040114.2); c.3427G>T, p.Asp1143Tyr (NM_022844.3); short protein forms D1143Y, D1150Y.
Identifiers: ClinVar variation 2773826 (VCV002773826.2), dbSNP rs2506177053, ClinGen allele CA394861894.

ClinVar aggregate classification (germline): Uncertain significance (1 of 4 stars; one submission).

Conditions:
Familial thoracic aortic aneurysm and aortic dissection (TAAD). Also called: Thoracic aortic aneurysms and dissections. Identifiers: Orphanet 91387, MedGen C4707243, MONDO:0019625.

Submission:

Color Diagnostics, LLC DBA Color Health
Classification: Uncertain significance for Familial thoracic aortic aneurysm and aortic dissection. Last evaluated: 2024-03-07. Review status: criteria provided, single submitter. Criteria: ACMG Guidelines, 2015. Collection method: clinical testing. Allele origin: germline.
Comment: This missense variant replaces aspartic acid with tyrosine at codon 1150 of the MYH11 protein. Computational prediction suggests that this variant may have deleterious impact on protein structure and function (internally defined REVEL score threshold >= 0.7, PMID: 27666373). To our knowledge, functional studies have not been reported for this variant. This variant has not been reported in individuals affected with cardiovascular disorders in the literature. This variant has not been identified in the general population by the Genome Aggregation Database (gnomAD). The available evidence is insufficient to determine the role of this variant in disease conclusively. Therefore, this variant is classified as a Variant of Uncertain Significance.